The following is an entry in ClinVar:

NM_001015052.3(MPG):c.516T>C (p.Ala172=)

Genes: MPG (N-methylpurine DNA glycosylase; plus strand), NPRL3 (NPR3 like, GATOR1 complex subunit; minus strand). Cytogenetic location: 16p13.3.
Variant type: single nucleotide variant.
Coding change: c.516T>C on transcript NM_001015052.3 (MANE Select); coding-DNA position 516, T replaced by C.
Protein change: p.Ala172=; no amino-acid change (alanine 172 retained).
Molecular consequence: synonymous variant. On other transcripts: 3 prime UTR variant (5).
Genome position (GRCh38, 1-based): chr16:85,411, T>C. VCF-style: chr16-85411-T-C. GRCh37 (hg19) VCF-style: chr16-135410-T-C.
Other names: c.480T>C, p.Ala160= (NM_001015054.3); c.531T>C, p.Ala177= (NM_002434.4); c.*1294A>G (NM_001039476.3, NM_001077350.3, NM_001243247.2 and 2 more transcripts).
Identifiers: ClinVar variation 4823794 (VCV004823794.4).

ClinVar aggregate classification (germline): Likely benign (1 of 4 stars; one submission).

gnomAD v4.1: 1 of 1,606,712 alleles (0.000062%); highest among the groups gnomAD compares: Admixed American, 0.0017%; no homozygotes.

Submission:

CeGaT Center for Human Genetics Tuebingen
Classification: Likely benign. Last evaluated: 2026-03-01. Review status: criteria provided, single submitter. Criteria: CeGaT Center For Human Genetics Tuebingen Variant Classification Criteria Version 2. Collection method: clinical testing. Allele origin: germline. Affected: yes. Observed: 1 variant allele.
Comment: MPG: BP4, BP7